The following is an entry in ClinVar:

NM_015450.3(POT1):c.1774C>A (p.Pro592Thr)

Gene: POT1 (protection of telomeres 1; minus strand). Cytogenetic location: 7q31.33.
Variant type: single nucleotide variant.
Coding change: c.1774C>A on transcript NM_015450.3 (MANE Select); coding-DNA position 1774, C replaced by A.
Protein change: p.Pro592Thr; replaces proline 592 with threonine.
Molecular consequence: missense variant. On other transcripts: non-coding transcript variant (3).
Genome position (GRCh38, 1-based): chr7:124,825,270, G>T on the plus strand (C>A on the coding strand, the complement: POT1 is on the minus strand). VCF-style: chr7-124825270-G-T. GRCh37 (hg19) VCF-style: chr7-124465324-G-T.
Other names: c.1381C>A, p.Pro461Thr (NM_001042594.2); short protein forms P461T, P592T.
Identifiers: ClinVar variation 3936257 (VCV003936257.1).

ClinVar aggregate classification (germline): Uncertain significance (1 of 4 stars; one submission).

Conditions:
Hereditary cancer-predisposing syndrome. Also called: Tumor predisposition; Hereditary neoplastic syndrome; Hereditary Cancer Syndrome; Neoplastic Syndromes, Hereditary. Identifiers: Orphanet 140162, MedGen C0027672, MeSH D009386, MONDO:0015356.

Submission:

Ambry Genetics
Classification: Uncertain significance for Hereditary cancer-predisposing syndrome. Last evaluated: 2025-03-31. Review status: criteria provided, single submitter. Criteria: Ambry Variant Classification Scheme 2023. Collection method: clinical testing. Allele origin: germline.
Comment: The p.P592T variant (also known as c.1774C>A), located in coding exon 14 of the POT1 gene, results from a C to A substitution at nucleotide position 1774. The proline at codon 592 is replaced by threonine, an amino acid with highly similar properties. This amino acid position is conserved. In addition, the in silico prediction for this alteration is inconclusive. Based on the available evidence, the clinical significance of this variant remains unclear.